The following is an entry in ClinVar:

ClinVar aggregate classification (germline): Uncertain significance. Review status: criteria provided, multiple submitters, no conflicts (2 of 4 stars). 4 submissions from 4 submitters: Uncertain significance (4). Last evaluated 2025-07-29.

Conditions:
Hereditary cancer-predisposing syndrome. Also called: Tumor predisposition; Hereditary neoplastic syndrome; Neoplastic Syndromes, Hereditary; Hereditary Cancer Syndrome. Identifiers: Orphanet 140162, MedGen C0027672, MeSH D009386, MONDO:0015356.
Hereditary breast ovarian cancer syndrome. Also called: Hereditary breast and ovarian cancer; Hereditary breast and/or ovarian cancer syndrome; Hereditary breast and ovarian cancer syndrome; Hereditary breast and ovarian cancer syndrome (HBOC); BRCA1- and BRCA2-Associated Hereditary Breast and Ovarian Cancer; Breast and ovarian cancer. Identifiers: Orphanet 145, MedGen C0677776, MeSH D061325, MONDO:0003582. Disease mechanism: loss of function.

Allele frequency attached by ClinVar (database versions not stated): gnomAD exomes 0.00001.
gnomAD v4.1: 5 of 1,614,166 alleles (0.00031%); highest among the groups gnomAD compares: East Asian, 0.0089%; no homozygotes.

Submissions (4):

Color Diagnostics, LLC DBA Color Health
Classification: Uncertain significance for Hereditary cancer-predisposing syndrome. Last evaluated: 2025-07-29. Review status: criteria provided, single submitter. Criteria: ACMG Guidelines, 2015. Collection method: clinical testing. Allele origin: germline.
Comment: This missense variant replaces proline with leucine at codon 1430 of the BRCA1 protein. Computational prediction suggests that this variant may not impact protein structure and function. To our knowledge, functional studies have not been reported for this variant. This variant has been reported in two individuals affected with breast or ovarian cancer (PMID: 31907386, 35980532), in a prostate cancer case-control study in 1/7636 prostate cancer cases and 2/12366 unaffected individuals (PMID: 31214711), and in two breast cancer and pancreatic cancer case-control studies in 3 unaffected individuals and absent in cancer cases (PMID: 30287823, 32980694). This variant has not been identified in the general population by the Genome Aggregation Database (gnomAD). The available evidence is insufficient to determine the role of this variant in disease conclusively. Therefore, this variant is classified as a Variant of Uncertain Significance.

Labcorp Genetics (formerly Invitae), Labcorp
Classification: Uncertain significance for Hereditary breast ovarian cancer syndrome. Last evaluated: 2024-05-06. Review status: criteria provided, single submitter. Criteria: Invitae Variant Classification Sherloc (09022015). Collection method: clinical testing. Allele origin: germline.
Comment: This sequence change replaces proline, which is neutral and non-polar, with leucine, which is neutral and non-polar, at codon 1430 of the BRCA1 protein (p.Pro1430Leu). This variant is not present in population databases (gnomAD no frequency). This missense change has been observed in individual(s) with breast or ovarian cancer (PMID: 31907386). ClinVar contains an entry for this variant (Variation ID: 950626). Advanced modeling of protein sequence and biophysical properties (such as structural, functional, and spatial information, amino acid conservation, physicochemical variation, residue mobility, and thermodynamic stability) performed at Invitae indicates that this missense variant is not expected to disrupt BRCA1 protein function with a negative predictive value of 95%. In summary, the available evidence is currently insufficient to determine the role of this variant in disease. Therefore, it has been classified as a Variant of Uncertain Significance.

Women's Health and Genetics/Laboratory Corporation of America, LabCorp
Classification: Uncertain significance. Last evaluated: 2023-05-30. Review status: criteria provided, single submitter. Criteria: LabCorp Variant Classification Summary - May 2015. Collection method: clinical testing. Allele origin: germline.
Comment: Variant summary: BRCA1 c.4289C>T (p.Pro1430Leu) results in a non-conservative amino acid change in the encoded protein sequence. Four of five in-silico tools predict a benign effect of the variant on protein function. The variant was absent in 251434 control chromosomes (gnomAD). The available data on variant occurrences in the general population are insufficient to allow any conclusion about variant significance. c.4289C>T has been reported in the literature in individuals with a personal or family history of breast- and/or ovarian cancer, however without strong evidence for causality (e.g., Kim_2020, Park_2021, Pereira_2022). In addition, the variant was also identified in several healthy controls in a case-control study involving male and female breast cancer patients (e.g., Momozawa_2018). These reports therefore do not provide unequivocal conclusions about association of the variant with Hereditary Breast and Ovarian Cancer Syndrome. To our knowledge, no experimental evidence demonstrating an impact on protein function has been reported. The following publications have been ascertained in the context of this evaluation (PMID: 31907386, 30287823, 34063308, 35980532). Two clinical diagnostic laboratories have submitted clinical-significance assessments for this variant to ClinVar after 2014, and both laboratories classified the variant as uncertain significance. Based on the evidence outlined above, the variant was classified as uncertain significance.

Ambry Genetics
Classification: Uncertain significance for Hereditary cancer-predisposing syndrome. Last evaluated: 2023-05-22. Review status: criteria provided, single submitter. Criteria: Ambry Variant Classification Scheme 2023. Collection method: clinical testing. Allele origin: germline.
Comment: The p.P1430L variant (also known as c.4289C>T), located in coding exon 11 of the BRCA1 gene, results from a C to T substitution at nucleotide position 4289. The proline at codon 1430 is replaced by leucine, an amino acid with similar properties. This amino acid position is not well conserved in available vertebrate species. In addition, this alteration is predicted to be tolerated by in silico analysis. Since supporting evidence is limited at this time, the clinical significance of this alteration remains unclear.

Literature cited by the submitters: PubMed 30287823 (cited by Color Diagnostics, LLC DBA Color Health and Women's Health and Genetics/Laboratory Corporation of America, LabCorp); PubMed 31214711 (cited by Color Diagnostics, LLC DBA Color Health); PubMed 31907386 (cited by 3 submitters); PubMed 32980694 (cited by Color Diagnostics, LLC DBA Color Health); PubMed 35980532 (cited by Color Diagnostics, LLC DBA Color Health and Women's Health and Genetics/Laboratory Corporation of America, LabCorp); PubMed 34063308 (cited by Women's Health and Genetics/Laboratory Corporation of America, LabCorp).

NM_007294.4(BRCA1):c.4289C>T (p.Pro1430Leu)

Gene: BRCA1 (BRCA1 DNA repair associated; minus strand). Cytogenetic location: 17q21.31.
Variant type: single nucleotide variant.
Coding change: c.4289C>T on transcript NM_007294.4 (MANE Select); coding-DNA position 4289, C replaced by T.
Protein change: p.Pro1430Leu; replaces proline 1430 with leucine.
Molecular consequence: missense variant. On other transcripts: non-coding transcript variant (1).
Genome position (GRCh38, 1-based): chr17:43,082,472, G>A on the plus strand (C>T on the coding strand, the complement: BRCA1 is on the minus strand). VCF-style: chr17-43082472-G-A. GRCh37 (hg19) VCF-style: chr17-41234489-G-A.
Other names: c.902C>T, p.Pro301Leu (NM_001408409.1, NM_001408411.1, NM_001408412.1 and 2 more transcripts); c.839C>T, p.Pro280Leu (NM_001408410.1, NM_001408452.1, NM_001408453.1 and 8 more transcripts); c.899C>T, p.Pro300Leu (NM_001408413.1, NM_001408416.1); c.863C>T, p.Pro288Leu (NM_001408418.1, NM_001408419.1, NM_001408420.1 and 2 more transcripts); c.860C>T, p.Pro287Leu (NM_001408421.1, NM_001408424.1, NM_001408431.1); c.857C>T, p.Pro286Leu (NM_001408425.1, NM_001408426.1, NM_001408427.1 and 8 more transcripts); c.854C>T, p.Pro285Leu (NM_001408432.1, NM_001408433.1, NM_001408434.1 and 10 more transcripts); c.845C>T, p.Pro282Leu (NM_001408451.1); and 51 more; short protein forms P1383L, P1430L, P327L, P1261L, P1303L, P1359L, P1389L, P1428L.
Identifiers: ClinVar variation 950626 (VCV000950626.15), dbSNP rs1597847973, ClinGen allele CA10593141.